The following is an entry in ClinVar:

NM_004387.4(NKX2-5):c.293G>C (p.Ser98Thr)

Gene: NKX2-5 (NK2 homeobox 5; minus strand). Cytogenetic location: 5q35.1.
Variant type: single nucleotide variant.
Coding change: c.293G>C on transcript NM_004387.4 (MANE Select); coding-DNA position 293, G replaced by C.
Protein change: p.Ser98Thr; replaces serine 98 with threonine.
Molecular consequence: missense variant.
Genome position (GRCh38, 1-based): chr5:173,234,791, C>G on the plus strand (G>C on the coding strand, the complement: NKX2-5 is on the minus strand). VCF-style: chr5-173234791-C-G. GRCh37 (hg19) VCF-style: chr5-172661794-C-G.
Other names: c.293G>C, p.Ser98Thr (NM_001166175.2, NM_001166176.2); short protein forms S98T.
Identifiers: ClinVar variation 2586641 (VCV002586641.2), dbSNP rs2480079332, ClinGen allele CA362163306.

ClinVar aggregate classification (germline): Uncertain significance (1 of 4 stars; one submission).

Conditions:
Cardiovascular phenotype. Identifiers: MedGen CN230736.

Submission:

Ambry Genetics
Classification: Uncertain significance for Cardiovascular phenotype. Last evaluated: 2023-07-13. Review status: criteria provided, single submitter. Criteria: Ambry Variant Classification Scheme 2023. Collection method: clinical testing. Allele origin: germline.
Comment: The p.S98T variant (also known as c.293G>C), located in coding exon 1 of the NKX2-5 gene, results from a G to C substitution at nucleotide position 293. The serine at codon 98 is replaced by threonine, an amino acid with similar properties. This amino acid position is conserved. In addition, this alteration is predicted to be tolerated by in silico analysis. Since supporting evidence is limited at this time, the clinical significance of this alteration remains unclear.